The following is an entry in ClinVar:

NM_001854.4(COL11A1):c.2650C>T (p.Pro884Ser)

Gene: COL11A1 (collagen type XI alpha 1 chain; minus strand). Cytogenetic location: 1p21.1.
Variant type: single nucleotide variant.
Coding change: c.2650C>T on transcript NM_001854.4 (MANE Select); coding-DNA position 2650, C replaced by T.
Protein change: p.Pro884Ser; replaces proline 884 with serine.
Molecular consequence: missense variant. On other transcripts: non-coding transcript variant (1).
Genome position (GRCh38, 1-based): chr1:102,979,065, G>A on the plus strand (C>T on the coding strand, the complement: COL11A1 is on the minus strand). VCF-style: chr1-102979065-G-A. GRCh37 (hg19) VCF-style: chr1-103444621-G-A.
Other names: c.2302C>T, p.Pro768Ser (NM_001168249.1, NM_080630.4); c.2533C>T, p.Pro845Ser (NM_001190709.2); c.2686C>T, p.Pro896Ser (NM_080629.3); short protein forms P768S, P845S, P884S, P896S.
Identifiers: ClinVar variation 2633890 (VCV002633890.1), dbSNP rs2525112043, ClinGen allele CA341163557.

ClinVar aggregate classification (germline): Uncertain significance (1 of 4 stars; one submission).

Conditions:
COL11A1-related disorder. Also called: COL11A1-related disorders; COL11A1-related condition.

Submission:

PreventionGenetics, part of Exact Sciences
Classification: Uncertain significance for COL11A1-related condition. Last evaluated: 2023-03-27. Review status: criteria provided, single submitter. Criteria: ACMG Guidelines, 2015. Collection method: clinical testing. Allele origin: germline.
Comment: The COL11A1 c.2650C>T variant is predicted to result in the amino acid substitution p.Pro884Ser. To our knowledge, this variant has not been reported in the literature or in a large population database, indicating this variant is rare. At this time, the clinical significance of this variant is uncertain due to the absence of conclusive functional and genetic evidence.